The following is an entry in ClinVar:

ClinVar aggregate classification (germline): Pathogenic (1 of 4 stars; one submission).

Conditions:
Angelman syndrome (AS). Also called: HAPPY PUPPET SYNDROME. Identifiers: Orphanet 72, MedGen C0162635, MONDO:0007113, OMIM 105830. Disease mechanism: loss of function. Inheritance: AS is caused by disruption of maternally imprinted UBE3A located within the 15q11.2-q13 Angelman syndrome/Prader-Willi syndrome (AS/PWS) region., imprinting disorder.

Submission:

Broad Center for Mendelian Genomics, Broad Institute of MIT and Harvard
Classification: Pathogenic for Angelman syndrome. Last evaluated: 2023-08-24. Review status: criteria provided, single submitter. Criteria: ACMG/ClinGen CNV Guidelines, 2019. Collection method: research. Allele origin: maternal. Inheritance: Autosomal dominant inheritance with maternal imprinting. Affected: yes.
Comment: The patient phenotype is nonspecific, but is consistent with cases described in the literature and/or published databases with overlapping variants. This intragenic variant is predicted to cause a frameshift, which alters the protein’s amino acid sequence beginning at exon 8 and leads to a premature termination codon. This alteration is then predicted to lead to a truncated or absent protein. This UBE3A gene is known to be haploinsufficient, and has been assessed by the ClinGen Dosage Sensitivity Working Group. In summary, this variant meets criteria to be classified as pathogenic. The ACMG/ClinGen evidence codes and points used in this curation are as follows: 1: 0 points, 2: 0.90 points, 3: 0 points, 4-5: 0.10 points; Total: 1.0 points; Riggs 2020 (PMID: 31690835).

GRCh38/hg38 15q11.2(chr15:25354042-25357067)x1

Genes: SNHG14 (small nucleolar RNA host gene 14; plus strand), UBE3A (ubiquitin protein ligase E3A; minus strand). Cytogenetic location: 15q11.2.
Variant type: copy number loss.
Change: copy number 1 (one copy instead of two) of chr15:25,354,042-25,357,067 (3.0 kb, GRCh38 coordinates, 1-based), cytogenetic band 15q11.2.
Identifiers: ClinVar variation 2579181 (VCV002579181.1).